The following is an entry in ClinVar:

NC_012920.1(MT-TY):m.5840C>T

Gene: MT-TY (mitochondrially encoded tRNA tyrosine; minus strand).
Variant type: single nucleotide variant.
Genome position: chrM-5840-C-T.
Identifiers: ClinVar variation 690013 (VCV000690013.1), dbSNP rs1603220149, ClinGen allele CA913180627.

ClinVar aggregate classification (germline): Likely benign (1 of 4 stars; one submission).

Conditions:
MELAS syndrome (MELAS). Also called: Juvenile myopathy, encephalopathy, lactic acidosis, stroke. Identifiers: Orphanet 550, MedGen C0162671, MONDO:0010789, OMIM 540000.

Submission:

Wong Mito Lab, Molecular and Human Genetics, Baylor College of Medicine
Classification: Likely benign for MELAS syndrome. Last evaluated: 2019-07-12. Review status: criteria provided, single submitter. Criteria: Modified ACMG Guidelines (Unpublished). Collection method: clinical testing. Allele origin: germline.
Comment: The NC_012920.1:m.5840C>T variant in MT-TY gene is interpreted to be a Likely Benign variant based on the modified ACMG guidelines (unpublished). This variant meets the following evidence codes reported in the guidelines: BS4, BP4, BP6

Literature cited by the submitters: PubMed 31965079.